The following is an entry in ClinVar:

ClinVar aggregate classification (germline): Likely pathogenic (1 of 4 stars; one submission).

Conditions:
Dilated cardiomyopathy 1G (CMD1G). Identifiers: Orphanet 154, MedGen C1858763, MONDO:0011400, OMIM 604145.
Autosomal recessive limb-girdle muscular dystrophy type 2J (LGMDR10). Also called: Limb-girdle muscular dystrophy, type 2J; MUSCULAR DYSTROPHY, LIMB-GIRDLE, AUTOSOMAL RECESSIVE 10. Identifiers: Orphanet 140922, MedGen C1837342, MONDO:0012127, OMIM 608807.

Submission:

Labcorp Genetics (formerly Invitae), Labcorp
Classification: Likely pathogenic for Dilated cardiomyopathy 1G; Autosomal recessive limb-girdle muscular dystrophy type 2J. Last evaluated: 2021-06-17. Review status: criteria provided, single submitter. Criteria: Invitae Variant Classification Sherloc (09022015). Collection method: clinical testing. Allele origin: germline.
Comment: In summary, the currently available evidence indicates that the variant is pathogenic, but additional data are needed to prove that conclusively. Therefore, this variant has been classified as Likely Pathogenic. This variant is located in the A band of TTN (PMID: 25589632). Truncating variants in this region are significantly overrepresented in patients affected with dilated cardiomyopathy (PMID: 25589632). Truncating variants in this region have also been reported in individuals affected with autosomal recessive centronuclear myopathy (PMID: 23975875). This variant has not been reported in the literature in individuals with TTN-related conditions. This variant is not present in population databases (ExAC no frequency). This sequence change creates a premature translational stop signal (p.Lys27124Asnfs*14) in the TTN gene. While this is not anticipated to result in nonsense mediated decay, it is expected to create a truncated TTN protein.

Literature cited by the submitters: PubMed 25589632; PubMed 23975875.

NM_001267550.2(TTN):c.81372_81373del (p.Lys27124fs)

Genes: TTN (titin; minus strand), TTN-AS1 (TTN antisense RNA 1; plus strand). Cytogenetic location: 2q31.2.
Variant type: Deletion.
Coding change: c.81372_81373del on transcript NM_001267550.2 (MANE Select); coding-DNA positions 81372 to 81373, 2 bases deleted (GA; older notation c.81372_81373delGA).
Protein change: p.Lys27124fs; shifts the reading frame from lysine 27124.
Molecular consequence: frameshift variant.
Genome position (GRCh38, 1-based): chr2:178,564,759-178,564,760, TC deleted on the plus strand (GA on the coding strand, the reverse complement: TTN is on the minus strand); deleting any 2 consecutive bases within chr2:178,564,759-178,564,761 gives the same sequence; the c. name uses the placement nearest the transcript's 3' end. VCF-style (leftmost placement, unchanged base first): chr2-178564758-GTC-G. GRCh37 (hg19) VCF-style: chr2-179429485-GTC-G.
Other names: c.76449_76450del, p.Lys25483fs (NM_001256850.1); c.54177_54178del, p.Lys18059fs (NM_003319.4); c.73668_73669del, p.Lys24556fs (NM_133378.4); c.54552_54553del, p.Lys18184fs (NM_133432.3); c.54753_54754del, p.Lys18251fs (NM_133437.4); short protein forms K18184fs, K27124fs, K24556fs, K25483fs, K18059fs, K18251fs.
Identifiers: ClinVar variation 1478247 (VCV001478247.8), dbSNP rs2154163297, ClinGen allele CA2573134151.